The following is an entry in ClinVar:

NM_207341.4(ZP1):c.289G>A (p.Asp97Asn)

Gene: ZP1 (zona pellucida glycoprotein 1; plus strand). Cytogenetic location: 11q12.2.
Variant type: single nucleotide variant.
Coding change: c.289G>A on transcript NM_207341.4 (MANE Select); coding-DNA position 289, G replaced by A.
Protein change: p.Asp97Asn; replaces aspartic acid 97 with asparagine.
Molecular consequence: missense variant.
Genome position (GRCh38, 1-based): chr11:60,869,237, G>A. VCF-style: chr11-60869237-G-A. GRCh37 (hg19) VCF-style: chr11-60636710-G-A.
Other names: short protein forms D97N.
Identifiers: ClinVar variation 3778040 (VCV003778040.7).
Genomic context (GRCh38, chr11:60,869,237, plus strand): 5'-TGCTCCATCTGCTACCACTGGGTCACCTCCAGGCCGCAGGAGCCTGCAGTCTTCTCGGCC[G>A]ATTACAGAGGCTGCCACGTGCTGGAGAAGGTAGGGGTTGTTCATGCTCTGGCACAGGGGC-3'
Protein context (NP_997224.2, residues 87-107): RPQEPAVFSA[Asp97Asn]YRGCHVLEKD

ClinVar aggregate classification (germline): Likely benign (1 of 4 stars; one submission).

gnomAD v4.1: 102 of 1,614,064 alleles (0.0063%); highest among the groups gnomAD compares: Admixed American, 0.043%; 1 homozygote.

Submission:

CeGaT Center for Human Genetics Tuebingen
Classification: Likely benign. Last evaluated: 2025-03-01. Review status: criteria provided, single submitter. Criteria: CeGaT Center For Human Genetics Tuebingen Variant Classification Criteria Version 2. Collection method: clinical testing. Allele origin: germline. Affected: yes. Observed: 1 variant allele.
Comment: ZP1: BP4